The following is an entry in ClinVar:

NM_000384.3(APOB):c.6806T>C (p.Leu2269Pro)

Gene: APOB (apolipoprotein B; minus strand). Cytogenetic location: 2p24.1.
Variant type: single nucleotide variant.
Coding change: c.6806T>C on transcript NM_000384.3 (MANE Select); coding-DNA position 6806, T replaced by C.
Protein change: p.Leu2269Pro; replaces leucine 2269 with proline.
Molecular consequence: missense variant.
Genome position (GRCh38, 1-based): chr2:21,010,062, A>G on the plus strand (T>C on the coding strand, the complement: APOB is on the minus strand). VCF-style: chr2-21010062-A-G. GRCh37 (hg19) VCF-style: chr2-21232934-A-G.
Other names: short protein forms L2269P.
Identifiers: ClinVar variation 4795573 (VCV004795573.1).

ClinVar aggregate classification (germline): Uncertain significance (1 of 4 stars; one submission).

Submission:

GeneDx
Classification: Uncertain significance. Last evaluated: 2025-08-09. Review status: criteria provided, single submitter. Criteria: GeneDx Variant Classification Process June 2021. Collection method: clinical testing. Allele origin: germline. Affected: yes.
Comment: Not observed at significant frequency in large population cohorts (gnomAD); In silico analysis supports that this missense variant has a deleterious effect on protein structure/function; Has not been previously published as pathogenic or benign to our knowledge